The following is an entry in ClinVar:

ClinVar aggregate classification (germline): Uncertain significance. Review status: criteria provided, multiple submitters, no conflicts (2 of 4 stars). 2 submissions from 2 submitters: Uncertain significance (2). Last evaluated 2024-11-19.

Conditions:
Bethlem myopathy 1A. Also called: Bethlem Muscular Dystrophy; MYOPATHY, BENIGN CONGENITAL, WITH CONTRACTURES; Bethlem myopathy 1. Identifiers: Orphanet 610, MedGen CN029274, MONDO:0024530, OMIM 158810.

Allele frequency attached by ClinVar (database versions not stated): TOPMed below 0.00001.
gnomAD v4.1: 31 of 1,613,610 alleles (0.0019%); highest among the groups gnomAD compares: South Asian, 0.015%; no homozygotes.

Submissions (2):

Labcorp Genetics (formerly Invitae), Labcorp
Classification: Uncertain significance for Bethlem myopathy 1A. Last evaluated: 2024-11-19. Review status: criteria provided, single submitter. Criteria: Invitae Variant Classification Sherloc (09022015). Collection method: clinical testing. Allele origin: germline.
Comment: This sequence change replaces aspartic acid, which is acidic and polar, with asparagine, which is neutral and polar, at codon 1442 of the COL6A3 protein (p.Asp1442Asn). This variant is present in population databases (rs772700553, gnomAD 0.01%). This variant has not been reported in the literature in individuals affected with COL6A3-related conditions. ClinVar contains an entry for this variant (Variation ID: 289349). Invitae Evidence Modeling of protein sequence and biophysical properties (such as structural, functional, and spatial information, amino acid conservation, physicochemical variation, residue mobility, and thermodynamic stability) indicates that this missense variant is expected to disrupt COL6A3 protein function with a positive predictive value of 80%. In summary, the available evidence is currently insufficient to determine the role of this variant in disease. Therefore, it has been classified as a Variant of Uncertain Significance.

Eurofins Ntd Llc (ga)
Classification: Uncertain significance. Last evaluated: 2016-07-12. Review status: criteria provided, single submitter. Criteria: EGL Classification Definitions 2015. Collection method: clinical testing. Allele origin: germline. Observed: 1 variant allele, 1 heterozygote.

NM_004369.4(COL6A3):c.4324G>A (p.Asp1442Asn)

Gene: COL6A3 (collagen type VI alpha 3 chain; minus strand). Cytogenetic location: 2q37.3.
Variant type: single nucleotide variant.
Coding change: c.4324G>A on transcript NM_004369.4 (MANE Select); coding-DNA position 4324, G replaced by A.
Protein change: p.Asp1442Asn; replaces aspartic acid 1442 with asparagine.
Molecular consequence: missense variant.
Genome position (GRCh38, 1-based): chr2:237,369,139, C>T on the plus strand (G>A on the coding strand, the complement: COL6A3 is on the minus strand). VCF-style: chr2-237369139-C-T. GRCh37 (hg19) VCF-style: chr2-238277782-C-T.
Other names: c.2503G>A, p.Asp835Asn (NM_057166.5); c.3706G>A, p.Asp1236Asn (NM_057167.4); short protein forms D1442N, D1236N, D835N.
Identifiers: ClinVar variation 289349 (VCV000289349.12), dbSNP rs772700553, ClinGen allele CA2188915.